The following is an entry in ClinVar:

NM_000369.5(TSHR):c.2115_2116delinsTCAGGA (p.Tyr706fs)

Genes: TSHR (thyroid stimulating hormone receptor; plus strand), TSHR-AS1 (TSHR antisense RNA 1; minus strand). Cytogenetic location: 14q31.1.
Variant type: Indel.
Coding change: c.2115_2116delinsTCAGGA on transcript NM_000369.5 (MANE Select); coding-DNA positions 2115 to 2116, AT replaced by TCAGGA.
Protein change: p.Tyr706fs; shifts the reading frame from tyrosine 706.
Molecular consequence: frameshift variant.
Genome position (GRCh38, 1-based): chr14:81,144,173-81,144,174, AT replaced by TCAGGA. VCF-style: chr14-81144173-AT-TCAGGA. GRCh37 (hg19) VCF-style: chr14-81610517-AT-TCAGGA.
Other names: c.2115_2116delATinsTCAGGA, p.Tyr706Glnfs (NM_000369.2); short protein forms Y706fs.
Identifiers: ClinVar variation 3375793 (VCV003375793.2).
Genomic context (GRCh38, chr14:81,144,173, plus strand): 5'-CCAGAGGGATGTGTTCATCCTACTCAGCAAGTTTGGCATCTGTAAACGCCAGGCTCAGGC[AT>TCAGGA]ACCGGGGGCAGAGGGTTCCTCCAAAGAACAGCACTGATATTCAGGTTCAAAAGGTTACCC-3'

ClinVar aggregate classification (germline): Likely pathogenic (1 of 4 stars; one submission).

Submission:

GeneDx
Classification: Likely pathogenic. Last evaluated: 2026-09-28. Review status: criteria provided, single submitter. Criteria: GeneDx Variant Classification Process June 2021. Collection method: clinical testing. Allele origin: germline.
Comment: Frameshift variant predicted to result in abnormal protein length as the last 59 amino acids are replaced with 13 different amino acids, and other similar variants have been reported in HGMD; Not observed at significant frequency in large population cohorts (gnomAD); Has not been previously published as pathogenic or benign to our knowledge